The following is an entry in ClinVar:

ClinVar aggregate classification (germline): Likely pathogenic. Review status: criteria provided, multiple submitters, no conflicts (2 of 4 stars). 3 submissions from 3 submitters: Likely pathogenic (3). Last evaluated 2025-04-30.

Conditions:
Galactosylceramide beta-galactosidase deficiency. Also called: Krabbe Disease; Leukodystrophy, Globoid Cell; GALACTOCEREBROSIDASE DEFICIENCY; GALC DEFICIENCY; GLOBOID CELL LEUKOENCEPHALOPATHY. Identifiers: Orphanet 487, MedGen C0023521, MONDO:0009499, OMIM 245200.

Allele frequency attached by ClinVar (database versions not stated): gnomAD exomes below 0.00001.
gnomAD v4.1: 1 of 1,558,842 alleles (0.000064%); highest among the groups gnomAD compares: Non-Finnish European, 0.000087%; no homozygotes.

Submissions (3):

Natera, Inc.
Classification: Likely pathogenic for Galactosylceramide beta-galactosidase deficiency. Last evaluated: 2025-04-30. Review status: criteria provided, single submitter. Criteria: Natera Variant Classification Schema (03/2026). Collection method: clinical testing. Allele origin: germline.
Comment: The c.1834+1G>A variant in GALC is a canonical splice donor site variant predicted to affect pre-mRNA splicing, which may result in an abnormal transcript and altered protein product. This variant is expected to result in nonsense mediated decay, truncation, or a dysfunctional protein product. This variant is rare in the general population with a frequency below the threshold expected for the associated phenotype(s). Given the available evidence, this variant is classified as Likely Pathogenic.

Fulgent Genetics
Classification: Likely pathogenic for Galactosylceramide beta-galactosidase deficiency. Last evaluated: 2024-04-17. Review status: criteria provided, single submitter. Criteria: ACMG Guidelines, 2015. Collection method: clinical testing. Allele origin: germline.

Women's Health and Genetics/Laboratory Corporation of America, LabCorp
Classification: Likely pathogenic for Galactosylceramide beta-galactosidase deficiency. Last evaluated: 2022-08-15. Review status: criteria provided, single submitter. Criteria: LabCorp Variant Classification Summary - May 2015. Collection method: clinical testing. Allele origin: germline.
Comment: Variant summary: GALC c.1834+1G>A is located in a canonical splice-site and is predicted to affect mRNA splicing resulting in a significantly altered protein due to either exon skipping, shortening, or inclusion of intronic material. Several computational tools predict a significant impact on normal splicing: Three predict the variant abolishes the canonical 5' splicing donor site. However, these predictions have yet to be confirmed by functional studies. The variant was absent in 244244 control chromosomes. To our knowledge, no occurrence of c.1834+1G>A in individuals affected with Krabbe Disease and no experimental evidence demonstrating its impact on protein function have been reported. No clinical diagnostic laboratories have submitted clinical-significance assessments for this variant to ClinVar after 2014. Based on the evidence outlined above, the variant was classified as likely pathogenic.

NM_000153.4(GALC):c.1834+1G>A

Gene: GALC (galactosylceramidase; minus strand). Cytogenetic location: 14q31.3.
Variant type: single nucleotide variant.
Coding change: c.1834+1G>A on transcript NM_000153.4 (MANE Select); the canonical splice donor site of the intron after coding-DNA position 1834, G replaced by A.
Molecular consequence: splice donor variant.
Genome position (GRCh38, 1-based): chr14:87,941,394, C>T on the plus strand (G>A on the coding strand, the complement: GALC is on the minus strand). VCF-style: chr14-87941394-C-T. GRCh37 (hg19) VCF-style: chr14-88407738-C-T.
Other names: c.1756+1G>A (NM_001201402.2); c.1765+1G>A (NM_001201401.2).
Identifiers: ClinVar variation 1705098 (VCV001705098.4), dbSNP rs1884843673, ClinGen allele CA390745574.